The following is an entry in ClinVar:

ClinVar aggregate classification (germline): Uncertain significance (1 of 4 stars; one submission).

gnomAD v4.1: 13 of 1,613,932 alleles (0.00081%); highest among the groups gnomAD compares: African/African-American, 0.0013%; no homozygotes.

Submission:

GeneDx
Classification: Uncertain significance. Last evaluated: 2026-04-01. Review status: criteria provided, single submitter. Criteria: GeneDx Variant Classification Process June 2021. Collection method: clinical testing. Allele origin: germline.
Comment: Not observed at significant frequency in large population cohorts (gnomAD); In silico analysis supports that this missense variant has a deleterious effect on protein structure/function; Has not been previously published as pathogenic or benign to our knowledge

NM_015340.4(LARS2):c.415G>A (p.Ala139Thr)

Gene: LARS2 (leucyl-tRNA synthetase 2, mitochondrial; plus strand). Cytogenetic location: 3p21.31.
Variant type: single nucleotide variant.
Coding change: c.415G>A on transcript NM_015340.4 (MANE Select); coding-DNA position 415, G replaced by A.
Protein change: p.Ala139Thr; replaces alanine 139 with threonine.
Molecular consequence: missense variant.
Genome position (GRCh38, 1-based): chr3:45,417,533, G>A. VCF-style: chr3-45417533-G-A. GRCh37 (hg19) VCF-style: chr3-45459025-G-A.
Other names: c.415G>A, p.Ala139Thr (NM_001368263.1); short protein forms A139T.
Identifiers: ClinVar variation 5016735 (VCV005016735.1).